The following is an entry in ClinVar:

NM_004517.4(ILK):c.1331C>A (p.Pro444His)

Genes: ILK (integrin linked kinase; plus strand), TAF10 (TATA-box binding protein associated factor 10; minus strand). Cytogenetic location: 11p15.4.
Variant type: single nucleotide variant.
Coding change: c.1331C>A on transcript NM_004517.4 (MANE Select); coding-DNA position 1331, C replaced by A.
Protein change: p.Pro444His; replaces proline 444 with histidine.
Molecular consequence: missense variant. On other transcripts: 3 prime UTR variant (1).
Genome position (GRCh38, 1-based): chr11:6,610,583, C>A. VCF-style: chr11-6610583-C-A. GRCh37 (hg19) VCF-style: chr11-6631814-C-A.
Other names: c.1331C>A, p.Pro444His (NM_001014794.3, NM_001014795.3); c.1148C>A, p.Pro383His (NM_001278441.2); c.929C>A, p.Pro310His (NM_001278442.2); c.*339G>T (NM_006284.4); short protein forms P310H, P444H, P383H.
Identifiers: ClinVar variation 1041773 (VCV001041773.12), dbSNP rs959927407, ClinGen allele CA217316217.
Genomic context (GRCh38, chr11:6,610,583, plus strand): 5'-TCATGAAGATCTGCATGAATGAAGACCCTGCAAAGCGACCCAAATTTGACATGATTGTGC[C>A]TATCCTTGAGAAGATGCAGGACAAGTAGGACTGGAAGGTCCTTGCCTGAACTCCAGAGGT-3'
Protein context (NP_004508.1, residues 434-452): AKRPKFDMIV[Pro444His]ILEKMQDK

ClinVar aggregate classification (germline): Uncertain significance. Review status: criteria provided, multiple submitters, no conflicts (2 of 4 stars). 2 submissions from 2 submitters: Uncertain significance (2). Last evaluated 2025-07-01.

Conditions:
Primary familial hypertrophic cardiomyopathy (HCM). Identifiers: Orphanet 99739, MedGen C0949658, MeSH D024741, MONDO:0024573. Inheritance: Various modes of inheritance.

Allele frequency attached by ClinVar (database versions not stated): gnomAD exomes below 0.00001; TOPMed below 0.00001; gnomAD 0.00001.
gnomAD v4.1: 2 of 1,614,086 alleles (0.00012%); highest among the groups gnomAD compares: Non-Finnish European, 0.00017%; no homozygotes.

Submissions (2):

Ambry Genetics
Classification: Uncertain significance. Last evaluated: 2025-07-01. Review status: criteria provided, single submitter. Criteria: Ambry Variant Classification Scheme 2023. Collection method: clinical testing. Allele origin: germline.

Labcorp Genetics (formerly Invitae), Labcorp
Classification: Uncertain significance for Primary familial hypertrophic cardiomyopathy. Last evaluated: 2020-01-31. Review status: criteria provided, single submitter. Criteria: Invitae Variant Classification Sherloc (09022015). Collection method: clinical testing. Allele origin: germline.
Comment: This sequence change replaces proline with histidine at codon 444 of the ILK protein (p.Pro444His). The proline residue is highly conserved and there is a moderate physicochemical difference between proline and histidine. This variant is not present in population databases (ExAC no frequency). This variant has not been reported in the literature in individuals with ILK-related conditions. Algorithms developed to predict the effect of missense changes on protein structure and function are either unavailable or do not agree on the potential impact of this missense change (SIFT: "Deleterious"; PolyPhen-2: "Probably Damaging"; Align-GVGD: "Class C0"). In summary, the available evidence is currently insufficient to determine the role of this variant in disease. Therefore, it has been classified as a Variant of Uncertain Significance.